The following is an entry in ClinVar:

ClinVar aggregate classification (germline): Likely benign. Review status: criteria provided, multiple submitters, no conflicts (2 of 4 stars). 3 submissions from 3 submitters: Likely benign (3). Last evaluated 2026-05-06.

Conditions:
SMARCA2-related disorder. Also called: SMARCA2-related condition.

gnomAD v4.1: 25 of 1,613,964 alleles (0.0015%); highest among the groups gnomAD compares: Middle Eastern, 0.034%; no homozygotes.

Submissions (3):

PreventionGenetics, part of Exact Sciences
Classification: Likely benign for SMARCA2-related condition. Last evaluated: 2026-05-06. Review status: criteria provided, single submitter. Criteria: ACMG Guidelines, 2015. Collection method: clinical testing. Allele origin: germline.
Comment: This variant is classified as likely benign based on ACMG/AMP sequence variant interpretation guidelines (Richards et al. 2015 PMID: 25741868, with internal and published modifications).

Women's Health and Genetics/Laboratory Corporation of America, LabCorp
Classification: Likely benign. Last evaluated: 2026-03-13. Review status: criteria provided, single submitter. Criteria: LabCorp Variant Classification Summary - May 2015. Collection method: clinical testing. Allele origin: germline.

Blueprint Genetics
Classification: Likely benign. Last evaluated: 2024-11-12. Review status: criteria provided, single submitter. Criteria: ACMG Guidelines, 2015. Collection method: clinical testing. Allele origin: germline.

NM_003070.5(SMARCA2):c.591C>T (p.Pro197=)

Gene: SMARCA2 (SWI/SNF related BAF chromatin remodeling complex subunit ATPase 2; plus strand). Cytogenetic location: 9p24.3.
Variant type: single nucleotide variant.
Coding change: c.591C>T on transcript NM_003070.5 (MANE Select); coding-DNA position 591, C replaced by T.
Protein change: p.Pro197=; no amino-acid change (proline 197 retained).
Molecular consequence: synonymous variant.
Genome position (GRCh38, 1-based): chr9:2,039,701, C>T. VCF-style: chr9-2039701-C-T. GRCh37 (hg19) VCF-style: chr9-2039701-C-T.
Other names: c.591C>T (NM_003070.4); c.591C>T, p.Pro197= (NM_001289396.2, NM_001289397.2, NM_139045.4).
Identifiers: ClinVar variation 4847254 (VCV004847254.3).